The following is an entry in ClinVar:

ClinVar aggregate classification (germline): Conflicting classifications of pathogenicity. Review status: criteria provided, conflicting classifications (1 of 4 stars). 3 submissions from 3 submitters: Uncertain significance (1); Likely benign (1). 1 of the submissions does not count toward it. Last evaluated 2024-05-22.

Conditions:
NBEAL2-related disorder. Also called: NBEAL2-related condition.

Allele frequency attached by ClinVar (database versions not stated): TOPMed 0.00004; ESP Exome Variant Server 0.00008; ExAC 0.00010; 1000 Genomes Project 30x 0.00016; 1000 Genomes Project 0.00020.
gnomAD v4.1: 83 of 1,610,094 alleles (0.0052%); highest among the groups gnomAD compares: East Asian, 0.047%; no homozygotes.

Submissions (3):

Women's Health and Genetics/Laboratory Corporation of America, LabCorp
Classification: Uncertain significance. Last evaluated: 2024-05-22. Review status: criteria provided, single submitter. Criteria: LabCorp Variant Classification Summary - May 2015. Collection method: clinical testing. Allele origin: germline.
Comment: Variant summary: NBEAL2 c.3119-7C>T alters a non-conserved nucleotide located close to a canonical splice site and therefore could affect mRNA splicing, leading to a significantly altered protein sequence. Consensus agreement among computation tools predict no significant impact on normal splicing. However, these predictions have yet to be confirmed by functional studies. The variant allele was found at a frequency of 9.9e-05 in 242942 control chromosomes. This frequency is not significantly higher than estimated for a pathogenic variant in NBEAL2 causing Gray Platelet Syndrome, allowing no conclusion about variant significance. c.3119-7C>T has been reported in the literature as a VUS in at least one compound heterozygous individual affected with thrombocytopenia with hematomas (e.g. Bandini_2023). This report does not provide unequivocal conclusions about association of the variant with Gray Platelet Syndrome. To our knowledge, no experimental evidence demonstrating an impact on protein function has been reported. The following publication has been ascertained in the context of this evaluation (PMID: 38158197). ClinVar contains an entry for this variant (Variation ID: 3053537). Based on the evidence outlined above, the variant was classified as uncertain significance.

Blueprint Genetics
Classification: Likely benign. Last evaluated: 2022-06-21. Review status: criteria provided, single submitter. Criteria: ACMG Guidelines, 2015. Collection method: clinical testing. Allele origin: germline.

PreventionGenetics, part of Exact Sciences
Classification: Likely benign for NBEAL2-related condition. Last evaluated: 2019-08-20. Review status: no assertion criteria provided. Collection method: clinical testing. Allele origin: germline. Not counted in ClinVar's aggregate classification.
Comment: This variant is classified as likely benign based on ACMG/AMP sequence variant interpretation guidelines (Richards et al. 2015 PMID: 25741868, with internal and published modifications).

Literature cited by the submitters: PubMed 38158197 (cited by Women's Health and Genetics/Laboratory Corporation of America, LabCorp).

NM_015175.3(NBEAL2):c.3119-7C>T

Gene: NBEAL2 (neurobeachin like 2; plus strand). Cytogenetic location: 3p21.31.
Variant type: single nucleotide variant.
Coding change: c.3119-7C>T on transcript NM_015175.3 (MANE Select); 7 bases into the intron before coding-DNA position 3119, C replaced by T.
Molecular consequence: intron variant.
Genome position (GRCh38, 1-based): chr3:46,998,456, C>T. VCF-style: chr3-46998456-C-T. GRCh37 (hg19) VCF-style: chr3-47039946-C-T.
Other names: c.3017-7C>T (NM_001365116.2).
Identifiers: ClinVar variation 3053537 (VCV003053537.4), dbSNP rs370684446, ClinGen allele CA2360850.